The following is an entry in ClinVar:

NM_001167.4(XIAP):c.1012dup (p.Tyr338fs)

Gene: XIAP (X-linked inhibitor of apoptosis; plus strand). Cytogenetic location: Xq25.
Variant type: Duplication.
Coding change: c.1012dup on transcript NM_001167.4 (MANE Select); coding-DNA position 1012, one base duplicated (T; older notation c.1012dupT).
Protein change: p.Tyr338fs; shifts the reading frame from tyrosine 338.
Molecular consequence: frameshift variant. On other transcripts: non-coding transcript variant (2).
Genome position (GRCh38, 1-based): chrX:123,891,272, T duplicated. VCF-style (leftmost placement, unchanged base first): chrX-123891271-A-AT. GRCh37 (hg19) VCF-style: chrX-123025121-A-AT.
Other names: c.1012dup, p.Tyr338fs (NM_001204401.2, NM_001378590.1, NM_001378591.1 and 1 more transcripts); short protein forms Y338fs.
Identifiers: ClinVar variation 1071347 (VCV001071347.7), dbSNP rs2148096182, ClinGen allele CA2499226357.

ClinVar aggregate classification (germline): Pathogenic (1 of 4 stars; one submission).

Conditions:
X-linked lymphoproliferative disease due to XIAP deficiency. Also called: XIAP DEFICIENCY; XIAP-Related Lymphoproliferative Disease, X-Linked. Identifiers: Orphanet 2442, Orphanet 538934, MedGen C1845076, MONDO:0010385, OMIM 300635.

Submission:

Labcorp Genetics (formerly Invitae), Labcorp
Classification: Pathogenic for X-linked lymphoproliferative disease due to XIAP deficiency. Last evaluated: 2024-05-23. Review status: criteria provided, single submitter. Criteria: Invitae Variant Classification Sherloc (09022015). Collection method: clinical testing. Allele origin: germline.
Comment: This sequence change creates a premature translational stop signal (p.Tyr338Leufs*12) in the XIAP gene. It is expected to result in an absent or disrupted protein product. Loss-of-function variants in XIAP are known to be pathogenic (PMID: 17080092, 21119115, 25666262). This variant is not present in population databases (gnomAD no frequency). This variant has not been reported in the literature in individuals affected with XIAP-related conditions. ClinVar contains an entry for this variant (Variation ID: 1071347). For these reasons, this variant has been classified as Pathogenic.

Literature cited by the submitters: PubMed 17080092; PubMed 21119115; PubMed 25666262.